The following is an entry in ClinVar:

NM_002470.4(MYH3):c.3286G>A (p.Glu1096Lys)

Gene: MYH3 (myosin heavy chain 3; minus strand). Cytogenetic location: 17p13.1.
Variant type: single nucleotide variant.
Coding change: c.3286G>A on transcript NM_002470.4 (MANE Select); coding-DNA position 3286, G replaced by A.
Protein change: p.Glu1096Lys; replaces glutamic acid 1096 with lysine.
Molecular consequence: missense variant.
Genome position (GRCh38, 1-based): chr17:10,638,926, C>T on the plus strand (G>A on the coding strand, the complement: MYH3 is on the minus strand). VCF-style: chr17-10638926-C-T. GRCh37 (hg19) VCF-style: chr17-10542243-C-T.
Other names: c.3286G>A (NM_002470.3); short protein forms E1096K.
Identifiers: ClinVar variation 2042064 (VCV002042064.6), dbSNP rs936470696, ClinGen allele CA287784315.

ClinVar aggregate classification (germline): Uncertain significance. Review status: criteria provided, multiple submitters, no conflicts (2 of 4 stars). 3 submissions from 3 submitters: Uncertain significance (3). Last evaluated 2026-08-25.

Conditions:
Inborn genetic diseases. Identifiers: MedGen C0950123, MeSH D030342.
MYH3-related disorder. Also called: MYH3-Related Disorders; MYH3-related condition. Identifiers: MedGen CN239329.

Allele frequency attached by ClinVar (database versions not stated): gnomAD exomes 0.00001; gnomAD 0.00003; TOPMed 0.00006.
gnomAD v4.1: 12 of 1,614,064 alleles (0.00074%); highest among the groups gnomAD compares: Admixed American, 0.012%; no homozygotes.

Submissions (3):

PreventionGenetics, part of Exact Sciences
Classification: Uncertain significance for MYH3-related condition. Last evaluated: 2026-08-25. Review status: criteria provided, single submitter. Criteria: ACMG Guidelines, 2015. Collection method: clinical testing. Allele origin: germline.
Comment: The MYH3 c.3286G>A variant is predicted to result in the amino acid substitution p.Glu1096Lys. To our knowledge, this variant has not been reported in the literature. This variant is reported in 0.0029% of alleles in individuals of Latino descent in gnomAD. At this time, the clinical significance of this variant is uncertain due to the absence of conclusive functional and genetic evidence.

Labcorp Genetics (formerly Invitae), Labcorp
Classification: Uncertain significance. Last evaluated: 2025-11-11. Review status: criteria provided, single submitter. Criteria: Invitae Variant Classification Sherloc (09022015). Collection method: clinical testing. Allele origin: germline.
Comment: This sequence change replaces glutamic acid, which is acidic and polar, with lysine, which is basic and polar, at codon 1096 of the MYH3 protein (p.Glu1096Lys). This variant is present in population databases (no rsID available, gnomAD 0.003%). This variant has not been reported in the literature in individuals affected with MYH3-related conditions. ClinVar contains an entry for this variant (Variation ID: 2042064). Invitae Evidence Modeling of protein sequence and biophysical properties (such as structural, functional, and spatial information, amino acid conservation, physicochemical variation, residue mobility, and thermodynamic stability) indicates that this missense variant is not expected to disrupt MYH3 protein function with a negative predictive value of 95%. In summary, the available evidence is currently insufficient to determine the role of this variant in disease. Therefore, it has been classified as a Variant of Uncertain Significance.

Ambry Genetics
Classification: Uncertain significance for Inborn genetic diseases. Last evaluated: 2024-01-04. Review status: criteria provided, single submitter. Criteria: Ambry Variant Classification Scheme 2023. Collection method: clinical testing. Allele origin: germline.